The following is an entry in ClinVar:

NM_001205293.3(CACNA1E):c.5045C>G (p.Thr1682Ser)

Gene: CACNA1E (calcium voltage-gated channel subunit alpha1 E; plus strand). Cytogenetic location: 1q25.3.
Variant type: single nucleotide variant.
Coding change: c.5045C>G on transcript NM_001205293.3 (MANE Select); coding-DNA position 5045, C replaced by G.
Protein change: p.Thr1682Ser; replaces threonine 1682 with serine.
Molecular consequence: missense variant.
Genome position (GRCh38, 1-based): chr1:181,772,137, C>G. VCF-style: chr1-181772137-C-G. GRCh37 (hg19) VCF-style: chr1-181741273-C-G.
Other names: c.5045C>G (NM_000721.3); c.5045C>G, p.Thr1682Ser (NM_000721.4); c.4988C>G, p.Thr1663Ser (NM_001205294.2); short protein forms T1663S, T1682S.
Identifiers: ClinVar variation 1381285 (VCV001381285.6), dbSNP rs775398717, ClinGen allele CA343628124.

ClinVar aggregate classification (germline): Conflicting classifications of pathogenicity. Review status: criteria provided, conflicting classifications (1 of 4 stars). 2 submissions from 2 submitters: Uncertain significance (1); Benign (1). Last evaluated 2022-12-22.

Submissions (2):

GeneDx
Classification: Uncertain significance. Last evaluated: 2022-12-22. Review status: criteria provided, single submitter. Criteria: GeneDx Variant Classification Process June 2021. Collection method: clinical testing. Allele origin: germline. Affected: yes.
Comment: Not observed at significant frequency in large population cohorts (gnomAD); In silico analysis supports that this missense variant has a deleterious effect on protein structure/function; Has not been previously published as pathogenic or benign to our knowledge

Labcorp Genetics (formerly Invitae), Labcorp
Classification: Benign. Last evaluated: 2022-06-13. Review status: criteria provided, single submitter. Criteria: Invitae Variant Classification Sherloc (09022015). Collection method: clinical testing. Allele origin: germline.